The following is an entry in ClinVar:

ClinVar aggregate classification (germline): Uncertain significance (1 of 4 stars; one submission).

Conditions:
Hereditary cancer-predisposing syndrome. Also called: Tumor predisposition; Hereditary Cancer Syndrome; Neoplastic Syndromes, Hereditary; Hereditary neoplastic syndrome. Identifiers: Orphanet 140162, MedGen C0027672, MeSH D009386, MONDO:0015356.

Submission:

Ambry Genetics
Classification: Uncertain significance for Hereditary cancer-predisposing syndrome. Last evaluated: 2018-03-25. Review status: criteria provided, single submitter. Criteria: Ambry Variant Classification Scheme 2023. Collection method: clinical testing. Allele origin: germline.
Comment: The p.F320L variant (also known as c.960C>A), located in coding exon 8 of the BMPR1A gene, results from a C to A substitution at nucleotide position 960. The phenylalanine at codon 320 is replaced by leucine, an amino acid with highly similar properties. This amino acid position is not well conserved in available vertebrate species. In addition, the in silico prediction for this alteration is inconclusive. Since supporting evidence is limited at this time, the clinical significance of this alteration remains unclear.

NM_004329.3(BMPR1A):c.960C>A (p.Phe320Leu)

Gene: BMPR1A (bone morphogenetic protein receptor type 1A; plus strand). Cytogenetic location: 10q23.2.
Variant type: single nucleotide variant.
Coding change: c.960C>A on transcript NM_004329.3 (MANE Select); coding-DNA position 960, C replaced by A.
Protein change: p.Phe320Leu; replaces phenylalanine 320 with leucine.
Molecular consequence: missense variant.
Genome position (GRCh38, 1-based): chr10:86,919,263, C>A. VCF-style: chr10-86919263-C-A. GRCh37 (hg19) VCF-style: chr10-88679020-C-A.
Other names: short protein forms F320L.
Identifiers: ClinVar variation 823366 (VCV000823366.4), dbSNP rs1564724183, ClinGen allele CA377460269.
Genomic context (GRCh38, chr10:86,919,263, plus strand): 5'-TTCCTGGACTCAGCTCTATTTGATTACTGATTACCATGAAAATGGATCTCTCTATGACTT[C>A]CTGAAATGTGCTACACTGGACACCAGAGCCCTGCTTAAATTGGCTTATTCAGCTGCCTGT-3'
Protein context (NP_004320.2, residues 310-330): DYHENGSLYD[Phe320Leu]LKCATLDTRA